The following is an entry in ClinVar:

NM_001377.3(DYNC2H1):c.1485+4T>C

Gene: DYNC2H1 (dynein cytoplasmic 2 heavy chain 1; plus strand). Cytogenetic location: 11q22.3.
Variant type: single nucleotide variant.
Coding change: c.1485+4T>C on transcript NM_001377.3 (MANE Select); 4 bases into the intron after coding-DNA position 1485, T replaced by C.
Molecular consequence: intron variant.
Genome position (GRCh38, 1-based): chr11:103,121,500, T>C. VCF-style: chr11-103121500-T-C. GRCh37 (hg19) VCF-style: chr11-102992229-T-C.
Other names: c.1485+4T>C (NM_001080463.2).
Identifiers: ClinVar variation 1409481 (VCV001409481.3), dbSNP rs2134718326, ClinGen allele CA2573146836.

ClinVar aggregate classification (germline): Uncertain significance (1 of 4 stars; one submission).

Conditions:
Jeune thoracic dystrophy. Also called: Short-rib thoracic dysplasia; Infantile thoracic dystrophy; Thoracic pelvic phalangeal dystrophy; Jeune's syndrome; Chondroectodermal dysplasia-like syndrome; Jeune syndrome. Identifiers: Orphanet 474, MedGen C0265275, MONDO:0018770.

Submission:

Labcorp Genetics (formerly Invitae), Labcorp
Classification: Uncertain significance for Jeune thoracic dystrophy. Last evaluated: 2021-08-05. Review status: criteria provided, single submitter. Criteria: Invitae Variant Classification Sherloc (09022015). Collection method: clinical testing. Allele origin: germline.
Comment: This sequence change falls in intron 10 of the DYNC2H1 gene. It does not directly change the encoded amino acid sequence of the DYNC2H1 protein. It affects a nucleotide within the consensus splice site of the intron. This variant is not present in population databases (ExAC no frequency). This variant has not been reported in the literature in individuals affected with DYNC2H1-related conditions. Nucleotide substitutions within the consensus splice site are a relatively common cause of aberrant splicing (PMID: 17576681, 9536098). Algorithms developed to predict the effect of sequence changes on RNA splicing suggest that this variant is not likely to affect RNA splicing. In summary, the available evidence is currently insufficient to determine the role of this variant in disease. Therefore, it has been classified as a Variant of Uncertain Significance.

Literature cited by the submitters: PubMed 17576681; PubMed 9536098.